The following is an entry in ClinVar:

NM_000138.5(FBN1):c.1226T>G (p.Ile409Ser)

Gene: FBN1 (fibrillin 1; minus strand). Cytogenetic location: 15q21.1.
Variant type: single nucleotide variant.
Coding change: c.1226T>G on transcript NM_000138.5 (MANE Select); coding-DNA position 1226, T replaced by G.
Protein change: p.Ile409Ser; replaces isoleucine 409 with serine.
Molecular consequence: missense variant.
Genome position (GRCh38, 1-based): chr15:48,516,284, A>C on the plus strand (T>G on the coding strand, the complement: FBN1 is on the minus strand). VCF-style: chr15-48516284-A-C. GRCh37 (hg19) VCF-style: chr15-48808481-A-C.
Other names: c.1226T>G, p.Ile409Ser (NM_001406716.1); short protein forms I409S.
Identifiers: ClinVar variation 2921325 (VCV002921325.3), dbSNP rs2505619678, ClinGen allele CA392345582.
Genomic context (GRCh38, chr15:48,516,284, plus strand): 5'-CGAGGGACCGGAATTTGAGGTCCAGGAGGAAAGCCAGGAGGAACAGGGAGAACTGGAGGA[A>C]TGGGGCCAAGGGGTGGGGGAGGATATTCTGGTCTCCCAGGAATTACCATAGGAACAGAGC-3'
Protein context (NP_000129.3, residues 399-419): PEYPPPPLGP[Ile409Ser]PPVLPVPPGF

ClinVar aggregate classification (germline): Uncertain significance (1 of 4 stars; one submission).

Conditions:
Marfan syndrome (MFS). Also called: MARFAN SYNDROME, TYPE I; Marfan syndrome type 1; Marfan's syndrome; Marfan syndrome, classic; FBN1-Related Marfan Syndrome. Identifiers: Orphanet 284963, Orphanet 558, MedGen C0024796, MONDO:0007947, OMIM 154700.
Familial thoracic aortic aneurysm and aortic dissection (TAAD). Also called: Thoracic aortic aneurysms and dissections. Identifiers: Orphanet 91387, MedGen C4707243, MONDO:0019625.

Submission:

Labcorp Genetics (formerly Invitae), Labcorp
Classification: Uncertain significance for Marfan syndrome; Familial thoracic aortic aneurysm and aortic dissection. Last evaluated: 2023-12-15. Review status: criteria provided, single submitter. Criteria: Invitae Variant Classification Sherloc (09022015). Collection method: clinical testing. Allele origin: germline.
Comment: This sequence change replaces isoleucine, which is neutral and non-polar, with serine, which is neutral and polar, at codon 409 of the FBN1 protein (p.Ile409Ser). This variant is not present in population databases (gnomAD no frequency). This variant has not been reported in the literature in individuals affected with FBN1-related conditions. Advanced modeling of protein sequence and biophysical properties (such as structural, functional, and spatial information, amino acid conservation, physicochemical variation, residue mobility, and thermodynamic stability) performed at Invitae indicates that this missense variant is not expected to disrupt FBN1 protein function with a negative predictive value of 95%. In summary, the available evidence is currently insufficient to determine the role of this variant in disease. Therefore, it has been classified as a Variant of Uncertain Significance.